The following is an entry in ClinVar:

ClinVar aggregate classification (germline): Conflicting classifications of pathogenicity. Review status: criteria provided, conflicting classifications (1 of 4 stars). 8 submissions from 8 submitters: Uncertain significance (3); Likely benign (4). 1 of the submissions does not count toward it. Last evaluated 2025-04-09.

Conditions:
TTN-related disorder. Also called: TTN-related condition; TTN-related disease; TTN-related disorders.
Early-onset myopathy with fatal cardiomyopathy (CMYO5). Also called: Salih Myopathy; CONGENITAL MYOPATHY 5 WITH CARDIOMYOPATHY. Identifiers: Orphanet 289377, MedGen C2673677, MONDO:0012714, OMIM 611705. Disease mechanism: loss of function.
Dilated cardiomyopathy 1G (CMD1G). Identifiers: Orphanet 154, MedGen C1858763, MONDO:0011400, OMIM 604145.
Autosomal recessive limb-girdle muscular dystrophy type 2J (LGMDR10). Also called: Limb-girdle muscular dystrophy, type 2J; MUSCULAR DYSTROPHY, LIMB-GIRDLE, AUTOSOMAL RECESSIVE 10. Identifiers: Orphanet 140922, MedGen C1837342, MONDO:0012127, OMIM 608807.
Hypertrophic cardiomyopathy 9. Also called: Familial hypertrophic cardiomyopathy 9. Identifiers: MedGen C1861065, MONDO:0013412, OMIM 613765.
Tibial muscular dystrophy (TMD). Also called: UDD MYOPATHY; Tibial muscular dystrophy, tardive; Udd Distal Myopathy – Tibial Muscular Dystrophy. Identifiers: Orphanet 609, MedGen C1838244, MONDO:0010870, OMIM 600334.
Myopathy, myofibrillar, 9, with early respiratory failure (MFM9). Also called: Hereditary myopathy with early respiratory failure; MYOPATHY, PROXIMAL, WITH EARLY RESPIRATORY MUSCLE INVOLVEMENT; Myopathy, distal, with early respiratory failure, autosomal dominant; EDSTROM MYOPATHY. Identifiers: Orphanet 178464, Orphanet 34521, MedGen C1863599, MONDO:0011362, OMIM 603689.
Primary dilated cardiomyopathy (DCM). Also called: Dilated Cardiomyopathy. Identifiers: Orphanet 217604, MedGen C0007193, MeSH D002311, MONDO:0005021, HP:0001644. Inheritance: Various modes of inheritance.

Allele frequency attached by ClinVar (database versions not stated): gnomAD exomes 0.00008 and 0.00023; ExAC 0.00021; ESP Exome Variant Server 0.00054; gnomAD 0.00063 and 0.00071; TOPMed 0.00087.
gnomAD v4.1: 218 of 1,613,166 alleles (0.014%); highest among the groups gnomAD compares: African/African-American, 0.13%; 1 homozygote.

Submissions (8):

Molecular Diagnostic Laboratory for Inherited Cardiovascular Disease, Montreal Heart Institute
Classification: Likely benign. Last evaluated: 2025-04-09. Review status: criteria provided, single submitter. Criteria: ACMG Guidelines, 2015. Collection method: clinical testing. Allele origin: germline. Affected: no.

PreventionGenetics, part of Exact Sciences
Classification: Likely benign for TTN-related condition. Last evaluated: 2025-01-11. Review status: criteria provided, single submitter. Criteria: ACMG Guidelines, 2015. Collection method: clinical testing. Allele origin: germline.
Comment: This variant is classified as likely benign based on ACMG/AMP sequence variant interpretation guidelines (Richards et al. 2015 PMID: 25741868, with internal and published modifications).

Blueprint Genetics
Classification: Likely benign. Last evaluated: 2024-11-26. Review status: criteria provided, single submitter. Criteria: ACMG Guidelines, 2015. Collection method: clinical testing. Allele origin: germline.

Department of Pathology and Laboratory Medicine, Sinai Health System
Classification: Uncertain significance for Tibial muscular dystrophy; Myopathy, myofibrillar, 9, with early respiratory failure; Dilated cardiomyopathy 1G; Autosomal recessive limb-girdle muscular dystrophy type 2J; Early-onset myopathy with fatal cardiomyopathy; Hypertrophic cardiomyopathy 9. Last evaluated: 2021-07-30. Review status: criteria provided, single submitter. Criteria: ACMG Guidelines, 2015. Collection method: research. Allele origin: germline.

Eurofins Ntd Llc (ga)
Classification: Uncertain significance. Last evaluated: 2017-11-16. Review status: criteria provided, single submitter. Criteria: EGL Classification Definitions 2015. Collection method: clinical testing. Allele origin: germline. Observed: 1 variant allele, 1 heterozygote.

Laboratory for Molecular Medicine, Mass General Brigham Personalized Medicine
Classification: Uncertain significance. Last evaluated: 2015-06-10. Review status: criteria provided, single submitter. Criteria: LMM Criteria. Collection method: clinical testing. Allele origin: germline. Observed: 2 variant alleles.
Comment: Variant classified as Uncertain Significance - Favor Benign. It has also been identified in 0.2% (19/10360) African chromoso mes by the Exome Aggregation Consortium (ExAC; d bSNP rs200690479). Computational prediction tools and conservation analysis are limited or unavailable for this variant. In summary, while the clinical signific ance of the p.Arg5538His variant is uncertain, its frequency suggests that it is more likely to be benign.

Biesecker Lab/Clinical Genomics Section, National Institutes of Health
Classification: Likely benign. Last evaluated: 2013-06-24. Review status: criteria provided, single submitter. Criteria: Ng et al. (Circ Cardiovasc Genet. 2013). Collection method: research. Allele origin: unknown. Observed: 1 variant allele. Study: ClinSeq.
Comment: The study set was not selected for affection status in relation to any cancer. Pathogenicity categories were based on literature curation. See Pubmed ID:23861362 for details.

Medical sequencing

Genetics and Genomics Program, Sidra Medicine
Classification: Likely benign for Primary dilated cardiomyopathy. Review status: no assertion criteria provided. Collection method: research. Allele origin: unknown. Affected: yes. Observed: 1 variant allele. Not counted in ClinVar's aggregate classification.

NM_133379.5(TTN):c.16613G>A (p.Arg5538His)

Gene: TTN (titin; minus strand). Cytogenetic location: 2q31.2.
Variant type: single nucleotide variant.
Coding change: c.16613G>A on transcript NM_133379.5; coding-DNA position 16613, G replaced by A.
Protein change: p.Arg5538His; replaces arginine 5538 with histidine.
Molecular consequence: missense variant. On other transcripts: intron variant (6).
Genome position (GRCh38, 1-based): chr2:178,745,787, C>T on the plus strand (G>A on the coding strand, the complement: TTN is on the minus strand). VCF-style: chr2-178745787-C-T. GRCh37 (hg19) VCF-style: chr2-179610514-C-T.
Other names: c.10360+7337G>A (NM_133378.4); c.10223-3866G>A (NM_003319.4); c.10799-3866G>A (NM_133437.4); c.10598-3866G>A (NM_133432.3); c.10361-3866G>A (NM_001256850.1); c.11312-3866G>A (NM_001267550.2); short protein forms R5538H.
Identifiers: ClinVar variation 166246 (VCV000166246.16), dbSNP rs145932311, ClinGen allele CA179058.
Genomic context (GRCh38, chr2:178,745,787, plus strand): 5'-CTTCTTCCTTGGACTAATTTTCCATCTTTGTACCAGTAAACCGTGGGTCTTGGAGAGCCA[C>T]GAACTAAGCACTGAAAATATGCTGCTGTACCTATTGGTGCATAACAGTCAGAAATACCTT-3'